The following is an entry in ClinVar:

NM_032607.3(CREB3L3):c.476G>A (p.Gly159Glu)

Gene: CREB3L3 (cAMP responsive element binding protein 3 like 3; plus strand). Cytogenetic location: 19p13.3.
Variant type: single nucleotide variant.
Coding change: c.476G>A on transcript NM_032607.3 (MANE Select); coding-DNA position 476, G replaced by A.
Protein change: p.Gly159Glu; replaces glycine 159 with glutamic acid.
Molecular consequence: missense variant.
Genome position (GRCh38, 1-based): chr19:4,159,682, G>A. VCF-style: chr19-4159682-G-A. GRCh37 (hg19) VCF-style: chr19-4159679-G-A.
Other names: c.473G>A, p.Gly158Glu (NM_001271995.2); c.476G>A, p.Gly159Glu (NM_001271996.2, NM_001271997.2); short protein forms G158E, G159E.
Identifiers: ClinVar variation 2351208 (VCV002351208.5), dbSNP rs374998466, ClinGen allele CA9091335.

ClinVar aggregate classification (germline): Uncertain significance. Review status: criteria provided, multiple submitters, no conflicts (2 of 4 stars). 2 submissions from 2 submitters: Uncertain significance (2). Last evaluated 2025-04-15.

Allele frequency attached by ClinVar (database versions not stated): ESP Exome Variant Server 0.00015; TOPMed 0.00016; gnomAD 0.00012.
gnomAD v4.1: 40 of 1,564,334 alleles (0.0026%); highest among the groups gnomAD compares: African/African-American, 0.053%; no homozygotes.

Submissions (2):

Ambry Genetics
Classification: Uncertain significance. Last evaluated: 2025-04-15. Review status: criteria provided, single submitter. Criteria: Ambry Variant Classification Scheme 2023. Collection method: clinical testing. Allele origin: germline.

Labcorp Genetics (formerly Invitae), Labcorp
Classification: Uncertain significance. Last evaluated: 2025-02-20. Review status: criteria provided, single submitter. Criteria: Invitae Variant Classification Sherloc (09022015). Collection method: clinical testing. Allele origin: germline.
Comment: This sequence change replaces glycine, which is neutral and non-polar, with glutamic acid, which is acidic and polar, at codon 159 of the CREB3L3 protein (p.Gly159Glu). This variant is present in population databases (rs374998466, gnomAD 0.05%). This variant has not been reported in the literature in individuals affected with CREB3L3-related conditions. ClinVar contains an entry for this variant (Variation ID: 2351208). Invitae Evidence Modeling of protein sequence and biophysical properties (such as structural, functional, and spatial information, amino acid conservation, physicochemical variation, residue mobility, and thermodynamic stability) indicates that this missense variant is not expected to disrupt CREB3L3 protein function with a negative predictive value of 80%. In summary, the available evidence is currently insufficient to determine the role of this variant in disease. Therefore, it has been classified as a Variant of Uncertain Significance.